The following is an entry in ClinVar:

ClinVar aggregate classification (germline): Uncertain significance (1 of 4 stars; one submission).

Submission:

GeneDx
Classification: Uncertain significance. Last evaluated: 2024-04-15. Review status: criteria provided, single submitter. Criteria: GeneDx Variant Classification Process June 2021. Collection method: clinical testing. Allele origin: germline. Affected: yes.
Comment: Not observed at significant frequency in large population cohorts (gnomAD); In silico analysis is inconclusive as to whether the variant alters gene splicing. In the absence of RNA/functional studies, the actual effect of this sequence change is unknown.; Has not been previously published as pathogenic or benign to our knowledge

NM_018082.6(POLR3B):c.1102-2dup

Gene: POLR3B (RNA polymerase III subunit B; plus strand). Cytogenetic location: 12q23.3.
Variant type: Duplication.
Coding change: c.1102-2dup on transcript NM_018082.6 (MANE Select); the canonical splice acceptor site of the intron before coding-DNA position 1102, one base duplicated (A; older notation c.1102-2dupA).
Molecular consequence: splice acceptor variant.
Genome position (GRCh38, 1-based): chr12:106,427,195, A duplicated. VCF-style (leftmost placement, unchanged base first): chr12-106427194-T-TA. GRCh37 (hg19) VCF-style: chr12-106820972-T-TA.
Other names: c.928-2dup (NM_001160708.2).
Identifiers: ClinVar variation 3372240 (VCV003372240.1).